The following is an entry in ClinVar:

ClinVar aggregate classification (germline): Uncertain significance (1 of 4 stars; one submission).

gnomAD v4.1: 2 of 1,614,168 alleles (0.00012%); highest among the groups gnomAD compares: Admixed American, 0.0033%; no homozygotes.

Submission:

Labcorp Genetics (formerly Invitae), Labcorp
Classification: Uncertain significance. Last evaluated: 2025-09-03. Review status: criteria provided, single submitter. Criteria: Invitae Variant Classification Sherloc (09022015). Collection method: clinical testing. Allele origin: germline.
Comment: This sequence change replaces threonine, which is neutral and polar, with isoleucine, which is neutral and non-polar, at codon 116 of the KANK1 protein (p.Thr116Ile). This variant is not present in population databases (gnomAD no frequency). This variant has not been reported in the literature in individuals affected with KANK1-related conditions. An algorithm developed to predict the effect of missense changes on protein structure and function (PolyPhen-2) suggests that this variant is likely to be tolerated. In summary, the available evidence is currently insufficient to determine the role of this variant in disease. Therefore, it has been classified as a Variant of Uncertain Significance.

NM_015158.5(KANK1):c.347C>T (p.Thr116Ile)

Gene: KANK1 (KN motif and ankyrin repeat domains 1; plus strand). Cytogenetic location: 9p24.3.
Variant type: single nucleotide variant.
Coding change: c.347C>T on transcript NM_015158.5 (MANE Select); coding-DNA position 347, C replaced by T.
Protein change: p.Thr116Ile; replaces threonine 116 with isoleucine.
Molecular consequence: missense variant. On other transcripts: 5 prime UTR variant (13), non-coding transcript variant (1).
Genome position (GRCh38, 1-based): chr9:711,113, C>T. VCF-style: chr9-711113-C-T. GRCh37 (hg19) VCF-style: chr9-711113-C-T.
Other names: c.347C>T, p.Thr116Ile (NM_001256876.3, NM_001256877.3, NM_001354331.2 and 3 more transcripts); c.-128C>T (NM_001438411.1, NM_153186.6, NM_001354333.2 and 10 more transcripts); short protein forms T116I.
Identifiers: ClinVar variation 4763847 (VCV004763847.1).
Genomic context (GRCh38, chr9:711,113, plus strand): 5'-ACAGTGATGACAACAAGCAGTGCCCCAACTTCCTCATAGCCAGAAGTCAAGTTACATCAA[C>T]TCCAATCTCAAAGCCACCTCCCCCTCTGGAGACCTCACTCCCTTTTCTTACCATCCCAGA-3'
Protein context (NP_055973.2, residues 106-126): FLIARSQVTS[Thr116Ile]PISKPPPPLE